The following is an entry in ClinVar:

ClinVar aggregate classification (germline): Uncertain significance (1 of 4 stars; one submission).

Submission:

Labcorp Genetics (formerly Invitae), Labcorp
Classification: Uncertain significance. Last evaluated: 2023-05-05. Review status: criteria provided, single submitter. Criteria: Invitae Variant Classification Sherloc (09022015). Collection method: clinical testing. Allele origin: germline.
Comment: In summary, the available evidence is currently insufficient to determine the role of this variant in disease. Therefore, it has been classified as a Variant of Uncertain Significance. Algorithms developed to predict the effect of missense changes on protein structure and function output the following: SIFT: "Not Available"; PolyPhen-2: "Benign"; Align-GVGD: "Not Available". The proline amino acid residue is found in multiple mammalian species, which suggests that this missense change does not adversely affect protein function. This variant has not been reported in the literature in individuals affected with ANKZF1-related conditions. This variant is not present in population databases (gnomAD no frequency). This sequence change replaces leucine, which is neutral and non-polar, with proline, which is neutral and non-polar, at codon 483 of the ANKZF1 protein (p.Leu483Pro).

NM_018089.3(ANKZF1):c.1448T>C (p.Leu483Pro)

Gene: ANKZF1 (ankyrin repeat and zinc finger peptidyl tRNA hydrolase 1; plus strand). Cytogenetic location: 2q35.
Variant type: single nucleotide variant.
Coding change: c.1448T>C on transcript NM_018089.3 (MANE Select); coding-DNA position 1448, T replaced by C.
Protein change: p.Leu483Pro; replaces leucine 483 with proline.
Molecular consequence: missense variant.
Genome position (GRCh38, 1-based): chr2:219,235,069, T>C. VCF-style: chr2-219235069-T-C. GRCh37 (hg19) VCF-style: chr2-220099791-T-C.
Other names: c.1448T>C, p.Leu483Pro (NM_001042410.2); c.818T>C, p.Leu273Pro (NM_001282792.2); short protein forms L273P, L483P.
Identifiers: ClinVar variation 2862302 (VCV002862302.3), dbSNP rs2544928306, ClinGen allele CA350681458.